The following is an entry in ClinVar:

NM_005557.4(KRT16):c.121C>T (p.Arg41Cys)

Gene: KRT16 (keratin 16; minus strand). Cytogenetic location: 17q21.2.
Variant type: single nucleotide variant.
Coding change: c.121C>T on transcript NM_005557.4 (MANE Select); coding-DNA position 121, C replaced by T.
Protein change: p.Arg41Cys; replaces arginine 41 with cysteine.
Molecular consequence: missense variant.
Genome position (GRCh38, 1-based): chr17:41,612,568, G>A on the plus strand (C>T on the coding strand, the complement: KRT16 is on the minus strand). VCF-style: chr17-41612568-G-A. GRCh37 (hg19) VCF-style: chr17-39768820-G-A.
Other names: c.121C>T (NM_005557.3); short protein forms R41C.
Identifiers: ClinVar variation 1600047 (VCV001600047.11), dbSNP rs111383277, ClinGen allele CA8563349.

ClinVar aggregate classification (germline): Benign. Review status: criteria provided, multiple submitters, no conflicts (2 of 4 stars). 3 submissions from 3 submitters: Benign (2). 1 of the submissions does not count toward it. Last evaluated 2026-01-23.

Conditions:
KRT16-related disorder. Also called: KRT16-related condition.

Allele frequency attached by ClinVar (database versions not stated): 1000 Genomes Project 30x 0.00781; ExAC 0.02384; 1000 Genomes Project 0.00699; gnomAD 0.01598 and 0.01555; ESP Exome Variant Server 0.01718; TOPMed 0.01384.
gnomAD v4.1: 34,806 of 1,595,212 alleles (2.2%); highest among the groups gnomAD compares: Non-Finnish European, 2.6%; 440 homozygotes.

Submissions (3):

Labcorp Genetics (formerly Invitae), Labcorp
Classification: Benign. Last evaluated: 2026-01-23. Review status: criteria provided, single submitter. Criteria: Invitae Variant Classification Sherloc (09022015). Collection method: clinical testing. Allele origin: germline.

Breakthrough Genomics
Classification: Benign. Review status: criteria provided, single submitter. Criteria: ACMG Guidelines, 2015. Collection method: not provided. Allele origin: germline. Inheritance: Autosomal dominant inheritance. Affected: yes.

PreventionGenetics, part of Exact Sciences
Classification: Benign for KRT16-related condition. Last evaluated: 2019-02-28. Review status: no assertion criteria provided. Collection method: clinical testing. Allele origin: germline. Not counted in ClinVar's aggregate classification.
Comment: This variant is classified as benign based on ACMG/AMP sequence variant interpretation guidelines (Richards et al. 2015 PMID: 25741868, with internal and published modifications).